The following is an entry in ClinVar:

ClinVar aggregate classification (germline): Uncertain significance (1 of 4 stars; one submission).

Conditions:
Neuronal ceroid lipofuscinosis. Also called: Neuronal Ceroid Lipofuscinoses. Identifiers: Orphanet 216, Orphanet 79263, MedGen C0027877, MONDO:0016295. Disease mechanism: loss of function.

Allele frequency attached by ClinVar (database versions not stated): TOPMed below 0.00001; gnomAD exomes 0.00001; ExAC 0.00002; ESP Exome Variant Server 0.00008.
gnomAD v4.1: 12 of 1,613,928 alleles (0.00074%); highest among the groups gnomAD compares: South Asian, 0.0088%; no homozygotes.

Submission:

Labcorp Genetics (formerly Invitae), Labcorp
Classification: Uncertain significance for Neuronal ceroid lipofuscinosis. Last evaluated: 2022-07-03. Review status: criteria provided, single submitter. Criteria: Invitae Variant Classification Sherloc (09022015). Collection method: clinical testing. Allele origin: germline.
Comment: This sequence change replaces asparagine, which is neutral and polar, with serine, which is neutral and polar, at codon 124 of the CTSD protein (p.Asn124Ser). This variant is present in population databases (rs375052866, gnomAD 0.006%). This variant has not been reported in the literature in individuals affected with CTSD-related conditions. ClinVar contains an entry for this variant (Variation ID: 1377046). Algorithms developed to predict the effect of missense changes on protein structure and function are either unavailable or do not agree on the potential impact of this missense change (SIFT: "Tolerated"; PolyPhen-2: "Possibly Damaging"; Align-GVGD: "Class C0"). In summary, the available evidence is currently insufficient to determine the role of this variant in disease. Therefore, it has been classified as a Variant of Uncertain Significance.

NM_001909.5(CTSD):c.371A>G (p.Asn124Ser)

Gene: CTSD (cathepsin D; minus strand). Cytogenetic location: 11p15.5.
Variant type: single nucleotide variant.
Coding change: c.371A>G on transcript NM_001909.5 (MANE Select); coding-DNA position 371, A replaced by G.
Protein change: p.Asn124Ser; replaces asparagine 124 with serine.
Molecular consequence: missense variant.
Genome position (GRCh38, 1-based): chr11:1,759,069, T>C on the plus strand (A>G on the coding strand, the complement: CTSD is on the minus strand). VCF-style: chr11-1759069-T-C. GRCh37 (hg19) VCF-style: chr11-1780299-T-C.
Other names: short protein forms N124S.
Identifiers: ClinVar variation 1377046 (VCV001377046.3), dbSNP rs375052866, ClinGen allele CA5814190.